The following is an entry in ClinVar:

NM_001040108.2(MLH3):c.3853C>G (p.Leu1285Val)

Gene: MLH3 (mutL homolog 3; minus strand). Cytogenetic location: 14q24.3.
Variant type: single nucleotide variant.
Coding change: c.3853C>G on transcript NM_001040108.2 (MANE Select); coding-DNA position 3853, C replaced by G.
Protein change: p.Leu1285Val; replaces leucine 1285 with valine.
Molecular consequence: missense variant.
Genome position (GRCh38, 1-based): chr14:75,030,677, G>C on the plus strand (C>G on the coding strand, the complement: MLH3 is on the minus strand). VCF-style: chr14-75030677-G-C. GRCh37 (hg19) VCF-style: chr14-75497380-G-C.
Other names: c.3781C>G, p.Leu1261Val (NM_014381.3); short protein forms L1261V, L1285V.
Identifiers: ClinVar variation 1735540 (VCV001735540.3), dbSNP rs2139387356, ClinGen allele CA390423237.

ClinVar aggregate classification (germline): Uncertain significance (1 of 4 stars; one submission).

Allele frequency attached by ClinVar (database versions not stated): gnomAD exomes below 0.00001.
gnomAD v4.1: 1 of 1,613,790 alleles (0.000062%); highest among the groups gnomAD compares: South Asian, 0.0011%; no homozygotes.

Submission:

Ambry Genetics
Classification: Uncertain significance. Last evaluated: 2024-11-25. Review status: criteria provided, single submitter. Criteria: Ambry Variant Classification Scheme 2023. Collection method: clinical testing. Allele origin: germline.
Comment: The p.L1285V variant (also known as c.3853C>G), located in coding exon 8 of the MLH3 gene, results from a C to G substitution at nucleotide position 3853. The leucine at codon 1285 is replaced by valine, an amino acid with highly similar properties. This amino acid position is conserved. In addition, the in silico prediction for this alteration is inconclusive. Since supporting evidence is limited at this time, the clinical significance of this alteration remains unclear.